The following is an entry in ClinVar:

ClinVar aggregate classification (germline): Likely benign. Review status: criteria provided, multiple submitters, no conflicts (2 of 4 stars). 4 submissions from 4 submitters: Likely benign (4). Last evaluated 2026-01-05.

Conditions:
Short stature, microcephaly, and endocrine dysfunction (SSMED). Identifiers: Orphanet 436182, MedGen C4225288, MONDO:0014686, OMIM 616541.

Allele frequency attached by ClinVar (database versions not stated): 1000 Genomes Project 30x 0.00047; 1000 Genomes Project 0.00060; TOPMed 0.00103; gnomAD 0.00128 and 0.00129; gnomAD exomes 0.00141 and 0.00228; ExAC 0.00149; ESP Exome Variant Server 0.00161.
gnomAD v4.1: 3,458 of 1,611,976 alleles (0.21%); highest among the groups gnomAD compares: Non-Finnish European, 0.26%; 7 homozygotes.

Submissions (4):

Labcorp Genetics (formerly Invitae), Labcorp
Classification: Likely benign. Last evaluated: 2026-01-05. Review status: criteria provided, single submitter. Criteria: Invitae Variant Classification Sherloc (09022015). Collection method: clinical testing. Allele origin: germline.

Blueprint Genetics
Classification: Likely benign. Last evaluated: 2024-11-14. Review status: criteria provided, single submitter. Criteria: ACMG Guidelines, 2015. Collection method: clinical testing. Allele origin: germline.

CeGaT Center for Human Genetics Tuebingen
Classification: Likely benign. Last evaluated: 2023-01-01. Review status: criteria provided, single submitter. Criteria: CeGaT Center For Human Genetics Tuebingen Variant Classification Criteria Version 2. Collection method: clinical testing. Allele origin: germline. Affected: yes. Observed: 2 variant alleles.
Comment: XRCC4: BP4

Fulgent Genetics
Classification: Likely benign for Short stature, microcephaly, and endocrine dysfunction. Last evaluated: 2021-07-29. Review status: criteria provided, single submitter. Criteria: ACMG Guidelines, 2015. Collection method: clinical testing. Allele origin: unknown.

NM_003401.5(XRCC4):c.224T>C (p.Leu75Ser)

Gene: XRCC4 (X-ray repair cross complementing 4; plus strand). Cytogenetic location: 5q14.2.
Variant type: single nucleotide variant.
Coding change: c.224T>C on transcript NM_003401.5 (MANE Select); coding-DNA position 224, T replaced by C.
Protein change: p.Leu75Ser; replaces leucine 75 with serine.
Molecular consequence: missense variant.
Genome position (GRCh38, 1-based): chr5:83,111,112, T>C. VCF-style: chr5-83111112-T-C. GRCh37 (hg19) VCF-style: chr5-82406931-T-C.
Other names: c.224T>C, p.Leu75Ser (NM_001318012.3, NM_001318013.2, NM_022406.5 and 1 more transcripts); short protein forms L75S.
Identifiers: ClinVar variation 716635 (VCV000716635.35), dbSNP rs61762970, ClinGen allele CA3332110.
Genomic context (GRCh38, chr5:83,111,112, plus strand): 5'-AAGCTGATGACATGGCAATGGAAAAAGGGAAATATGTTGGTGAACTGAGAAAAGCATTGT[T>C]GTCAGGAGCAGGACCAGCTGATGTATACACGTTTAATTTTTCTAAAGAGTCTTGTTATTT-3'
Protein context (NP_003392.1, residues 65-85): KYVGELRKAL[Leu75Ser]SGAGPADVYT